The following is an entry in ClinVar:

ClinVar aggregate classification (germline): Likely pathogenic (1 of 4 stars; one submission).

Submission:

GeneDx
Classification: Likely pathogenic. Last evaluated: 2022-11-25. Review status: criteria provided, single submitter. Criteria: GeneDx Variant Classification Process June 2021. Collection method: clinical testing. Allele origin: germline. Affected: yes.
Comment: Not observed at significant frequency in large population cohorts (gnomAD); In silico analysis supports that this missense variant has a deleterious effect on protein structure/function; This variant is associated with the following publications: (PMID: 32180288, 30713986)

NM_182978.4(GNAL):c.401C>T (p.Thr134Ile)

Gene: GNAL (G protein subunit alpha L; plus strand). Cytogenetic location: 18p11.21.
Variant type: single nucleotide variant.
Coding change: c.401C>T on transcript NM_182978.4 (MANE Select); coding-DNA position 401, C replaced by T.
Protein change: p.Thr134Ile; replaces threonine 134 with isoleucine.
Molecular consequence: missense variant.
Genome position (GRCh38, 1-based): chr18:11,752,877, C>T. VCF-style: chr18-11752877-C-T. GRCh37 (hg19) VCF-style: chr18-11752876-C-T.
Other names: c.170C>T, p.Thr57Ile (NM_001142339.3, NM_001261443.2, NM_001369387.1); short protein forms T134I, T57I.
Identifiers: ClinVar variation 2503343 (VCV002503343.1), dbSNP rs2510260408, ClinGen allele CA401926170.